The following is an entry in ClinVar:

NM_000059.4(BRCA2):c.67+3A>G

Gene: BRCA2 (BRCA2 DNA repair associated; plus strand). Cytogenetic location: 13q13.1.
Variant type: single nucleotide variant.
Coding change: c.67+3A>G on transcript NM_000059.4 (MANE Select); 3 bases into the intron after coding-DNA position 67, A replaced by G.
Molecular consequence: intron variant.
Genome position (GRCh38, 1-based): chr13:32,316,530, A>G. VCF-style: chr13-32316530-A-G. GRCh37 (hg19) VCF-style: chr13-32890667-A-G.
Identifiers: ClinVar variation 826563 (VCV000826563.14), dbSNP rs1593880835, ClinGen allele CA915946922.

ClinVar aggregate classification (germline): Pathogenic/Likely pathogenic. Review status: criteria provided, multiple submitters, no conflicts (2 of 4 stars). 5 submissions from 5 submitters: Pathogenic (1); Likely pathogenic (3). 1 of the submissions does not count toward it. Last evaluated 2025-07-22.

Conditions:
Hereditary breast ovarian cancer syndrome. Also called: BRCA1- and BRCA2-Associated Hereditary Breast and Ovarian Cancer; Hereditary breast and ovarian cancer; Hereditary breast and ovarian cancer syndrome (HBOC); Hereditary breast and/or ovarian cancer syndrome; Breast and ovarian cancer; Hereditary breast and ovarian cancer syndrome. Identifiers: Orphanet 145, MedGen C0677776, MeSH D061325, MONDO:0003582. Disease mechanism: loss of function.
Hereditary cancer-predisposing syndrome. Also called: Hereditary Cancer Syndrome; Neoplastic Syndromes, Hereditary; Tumor predisposition; Hereditary neoplastic syndrome. Identifiers: Orphanet 140162, MedGen C0027672, MeSH D009386, MONDO:0015356.

Submissions (5):

Labcorp Genetics (formerly Invitae), Labcorp
Classification: Pathogenic for Hereditary breast ovarian cancer syndrome. Last evaluated: 2025-07-22. Review status: criteria provided, single submitter. Criteria: Invitae Variant Classification Sherloc (09022015). Collection method: clinical testing. Allele origin: germline.
Comment: This sequence change falls in intron 2 of the BRCA2 gene. It does not directly change the encoded amino acid sequence of the BRCA2 protein. RNA analysis indicates that this variant induces altered splicing and is likely to result in the loss of the initiator methionine. This variant is not present in population databases (gnomAD no frequency). This variant has been observed in individual(s) with breast cancer and Fanconi anemia (PMID: 24302565, 28185119). In at least one individual the data is consistent with being in trans (on the opposite chromosome) from a pathogenic variant. ClinVar contains an entry for this variant (Variation ID: 826563). Variants that disrupt the consensus splice site are a relatively common cause of aberrant splicing (PMID: 17576681, 9536098). Studies have shown that this variant results in skipping of exon 2, and is expected to result in the loss of the initiator methionine (PMID: 24302565, 30883759). Other variant(s) that result in the disruption of the initiator methionine have been determined to be pathogenic (PMID: 14647210, 18182601, 21769658, 24156927, 25330149; internal data). This suggests that this variant may also be clinically significant and likely to be disease-causing. For these reasons, this variant has been classified as Pathogenic.

Dasa
Classification: Likely pathogenic. Last evaluated: 2024-12-23. Review status: criteria provided, single submitter. Criteria: DASA Assertion Criteria. Collection method: clinical testing. Allele origin: germline.
Comment: NM_000059.4(BRCA2):c.67+3A>G is a splice-region variant predicted to affect normal RNA splicing. This variant affects a splice-region context with prior evidence supporting clinical relevance. This variant has been reported in individuals with BRCA2-related disorders (PMID: 28185119). Functional evidence supports an impact on the gene or gene product (PMID: 28185119; PMID: 24302565). Also, this variant is absent from population databases. Computational evidence supports a deleterious effect. Based on the currently available evidence, this variant is classified as likely pathogenic.

Color Diagnostics, LLC DBA Color Health
Classification: Likely pathogenic for Hereditary cancer-predisposing syndrome. Last evaluated: 2021-12-28. Review status: criteria provided, single submitter. Criteria: ACMG Guidelines, 2015. Collection method: clinical testing. Allele origin: germline.
Comment: This variant causes an A to G nucleotide substitution at the +3 position of intron 2 of the BRCA2 gene. Splice site prediction tools predict that this variant may have a significant impact on RNA splicing. RNA studies have shown that this variant resulted in the skipping of exon 2, deleting the translation start codon (PMID: 24302565, 30883759), that is expected to abolish expression of the full-length wild-type protein. This variant has been detected in an individual affected with breast cancer (PMID: 24302565). This variant also has been observed in trans with a pathogenic truncation variant in BRCA2 in an individual affected with Fanconi anemia (PMID: 28185119). This variant has not been identified in the general population by the Genome Aggregation Database (gnomAD). Loss of BRCA2 function is a known mechanism of disease. Based on the available evidence, this variant is classified as Likely Pathogenic.

Ambry Genetics
Classification: Likely pathogenic for Hereditary cancer-predisposing syndrome. Last evaluated: 2019-07-02. Review status: criteria provided, single submitter. Criteria: Ambry Variant Classification Scheme 2023. Collection method: clinical testing. Allele origin: germline.
Comment: The c.67+3A>G intronic variant results from an A to G substitution 3 nucleotides after coding exon 1 in the BRCA2 gene. This nucleotide position is highly conserved in available vertebrate species. This alteration has also been reported in a compound heterozygous state (with BRCA2 c.5771_5774delTTCA) in an individual with Fanconi anemia (Feben C et al. Fam. Cancer 2017 07;16(3):441-446). This variant was not reported in population-based cohorts in the Genome Aggregation Database (gnomAD). Using two different splice site prediction tools, this alteration is predicted by BDGP to abolish the native splice donor site, but is predicted to weaken (but not abolish) the efficiency of the native splice donor site by ESEfinder. Additionally, Parsons et al. performed RNA studies on patient DNA which revealed that this alteration causes skipping of coding exon 1 (also designated as exon 2); however, authors were not able to quantitatively assess the extent of aberrant RNA transcript in this patient (Parsons MT et al. Mol. Carcinog. 2015 Jul;54(7):513-22). Based on the majority of available evidence to date, this variant is likely to be pathogenic. However, because this variant is identified in one or more patients with Fanconi Anemia it may be hypomorphic and thus, carriers of this variant and their families may present with reduced risks, and not with the typical clinical characteristics of a high-risk pathogenic BRCA2 alteration. As risk estimates are unknown at this time, clinical correlation is advised.

Department of Pathology and Laboratory Medicine, Sinai Health System
Classification: Likely pathogenic. Review status: no assertion criteria provided. Collection method: clinical testing. Allele origin: unknown. Affected: yes. Study: The Canadian Open Genetics Repository (COGR). Not counted in ClinVar's aggregate classification.
Comment: The variant was identified in dbSNP (ID: rs1593880835) and ClinVar (classified as likely pathogenic by Ambry Genetics for hereditary cancer-predisposing syndrome). The variant was not identified in the COSMIC database or in the following control databases: the 1000 Genomes Project, the NHLBI GO Exome Sequencing Project, or the Genome Aggregation Database (March 6, 2019, v2.1.1). The c.67+3A>G variant is located in the 5' splice region but does not affect the invariant +1 and +2 positions. However, positions +3 to +6 are part of the splicing consensus sequence and variants involving these positions sometimes affect splicing. In addition, in silico or computational prediction software programs (Splice AI exome, Splice AI genome, dbscSNV Ada, RF) predict deleterious effect on splicing. Further, through in vitro mRNA analysis the c.67+3A>G variant was found to result in exon 2 skipping, resulting in the loss of the consensus ATG start site (Parsons_2015_PMID:24302565). In summary, based on the above information the clinical significance of this variant cannot be determined with certainty at this time although we would lean towards a more pathogenic role for this variant. This variant is classified as likely pathogenic.

Literature cited by the submitters: PubMed 24302565 (cited by 3 submitters); PubMed 28185119 (cited by 3 submitters); PubMed 17576681 (cited by Labcorp Genetics (formerly Invitae), Labcorp); PubMed 9536098 (cited by Labcorp Genetics (formerly Invitae), Labcorp); PubMed 30883759 (cited by Labcorp Genetics (formerly Invitae), Labcorp and Color Diagnostics, LLC DBA Color Health); PubMed 14647210 (cited by Labcorp Genetics (formerly Invitae), Labcorp); PubMed 18182601 (cited by Labcorp Genetics (formerly Invitae), Labcorp); PubMed 21769658 (cited by Labcorp Genetics (formerly Invitae), Labcorp); PubMed 24156927 (cited by Labcorp Genetics (formerly Invitae), Labcorp); PubMed 25330149 (cited by Labcorp Genetics (formerly Invitae), Labcorp).